The following is an entry in ClinVar:

ClinVar aggregate classification (germline): Pathogenic/Likely pathogenic. Review status: criteria provided, multiple submitters, no conflicts (2 of 4 stars). 3 submissions from 3 submitters: Pathogenic (2); Likely pathogenic (1). Last evaluated 2026-05-06.

Conditions:
GNPTG-mucolipidosis. Also called: ML III GAMMA; ML IIIC; MUCOLIPIDOSIS III, COMPLEMENTATION GROUP C; MUCOLIPIDOSIS III, IRANIAN VARIANT FORM; MUCOLIPIDOSIS III, VARIANT FORM; Mucolipidosis type III gamma. Identifiers: Orphanet 423470, Orphanet 577, MedGen C1854896, MONDO:0009652, OMIM 252605.

Submissions (3):

Myriad Genetics, Inc.
Classification: Pathogenic for GNPTG-mucolipidosis. Last evaluated: 2026-05-06. Review status: criteria provided, single submitter. Criteria: Myriad Autosomal Dominant, Autosomal Recessive and X-Linked Classification Criteria (2023). Collection method: clinical testing. Allele origin: unknown.
Comment: NM_032520.4(GNPTG):c.658A>T(K220*) is expected to be pathogenic in the context of mucolipidosis III gamma. This variant is predicted to lead to an abnormal or absent protein product due to the creation of a premature termination codon in GNPTG, a gene where loss-of-function variants are known to be pathogenic. Please note: this variant was assessed in the context of healthy population screening.

Natera, Inc.
Classification: Likely pathogenic for Mucolipidosis III gamma. Last evaluated: 2025-12-31. Review status: criteria provided, single submitter. Criteria: Natera Variant Classification Schema (03/2026). Collection method: clinical testing. Allele origin: germline.
Comment: The c.658A>T variant in GNPTG is a nonsense variant predicted to introduce a stop codon at amino acid 220. This variant is expected to result in nonsense mediated decay, truncation, or a dysfunctional protein product. This variant is rare in the general population with a frequency below the threshold expected for the associated phenotype(s). Given the available evidence, this variant is classified as Likely Pathogenic.

Medical Molecular Genetics Department, Human Genetics and Genome Research Division, National Research Centre
Classification: Pathogenic for GNPTG-mucolipidosis. Last evaluated: 2020-01-05. Review status: criteria provided, single submitter. Criteria: ACMG Guidelines, 2015. Collection method: clinical testing. Allele origin: inherited. Inheritance: Autosomal recessive inheritance. Affected: yes. Observed: 1 homozygote.

NM_032520.5(GNPTG):c.658A>T (p.Lys220Ter)

Gene: GNPTG (N-acetylglucosamine-1-phosphate transferase subunit gamma; plus strand). Cytogenetic location: 16p13.3.
Variant type: single nucleotide variant.
Coding change: c.658A>T on transcript NM_032520.5 (MANE Select); coding-DNA position 658, A replaced by T.
Protein change: p.Lys220Ter; replaces lysine 220 with a stop codon.
Molecular consequence: nonsense.
Genome position (GRCh38, 1-based): chr16:1,362,659, A>T. VCF-style: chr16-1362659-A-T. GRCh37 (hg19) VCF-style: chr16-1412660-A-T.
Other names: c.658A>T (NM_032520.4); short protein forms K220*.
Identifiers: ClinVar variation 917517 (VCV000917517.5), dbSNP rs2034926616, ClinGen allele CA394188476.